The following is an entry in ClinVar:

NM_001037333.3(CYFIP2):c.271C>T (p.Arg91Trp)

Gene: CYFIP2 (cytoplasmic FMR1 interacting protein 2; plus strand). Cytogenetic location: 5q33.3.
Variant type: single nucleotide variant.
Coding change: c.271C>T on transcript NM_001037333.3 (MANE Select); coding-DNA position 271, C replaced by T.
Protein change: p.Arg91Trp; replaces arginine 91 with tryptophan.
Molecular consequence: missense variant. On other transcripts: intron variant (1).
Genome position (GRCh38, 1-based): chr5:157,294,846, C>T. VCF-style: chr5-157294846-C-T. GRCh37 (hg19) VCF-style: chr5-156721855-C-T.
Other names: c.271C>T, p.Arg91Trp (NM_001291722.2, NM_014376.4); c.208-1827C>T (NM_001291721.2); short protein forms R91W.
Identifiers: ClinVar variation 4812125 (VCV004812125.1).

ClinVar aggregate classification (germline): Uncertain significance (1 of 4 stars; one submission).

gnomAD v4.1: 1 of 1,613,348 alleles (0.000062%); highest among the groups gnomAD compares: Non-Finnish European, 0.000085%; no homozygotes.

Submission:

Labcorp Genetics (formerly Invitae), Labcorp
Classification: Uncertain significance. Last evaluated: 2025-11-17. Review status: criteria provided, single submitter. Criteria: Invitae Variant Classification Sherloc (09022015). Collection method: clinical testing. Allele origin: germline.
Comment: This sequence change replaces arginine, which is basic and polar, with tryptophan, which is neutral and slightly polar, at codon 91 of the CYFIP2 protein (p.Arg91Trp). This variant is not present in population databases (gnomAD no frequency). This variant has not been reported in the literature in individuals affected with CYFIP2-related conditions. Experimental studies and prediction algorithms are not available or were not evaluated, and the functional significance of this variant is currently unknown. In summary, the available evidence is currently insufficient to determine the role of this variant in disease. Therefore, it has been classified as a Variant of Uncertain Significance.